The following is an entry in ClinVar:

ClinVar aggregate classification (germline): Uncertain significance. Review status: criteria provided, multiple submitters, no conflicts (2 of 4 stars). 3 submissions from 3 submitters: Uncertain significance (3). Last evaluated 2024-09-14.

Conditions:
Progressive sclerosing poliodystrophy (MTDPS4A). Also called: Alpers Syndrome; NEURONAL DEGENERATION OF CHILDHOOD WITH LIVER DISEASE, PROGRESSIVE; ALPERS DIFFUSE DEGENERATION OF CEREBRAL GRAY MATTER WITH HEPATIC CIRRHOSIS; Alpers-Huttenlocher Syndrome; ALPERS PROGRESSIVE INFANTILE POLIODYSTROPHY; Mitochondrial DNA depletion syndrome 4A (Alpers type). Identifiers: Orphanet 726, MedGen C0205710, MONDO:0008758, OMIM 203700.

Allele frequency attached by ClinVar (database versions not stated): gnomAD exomes below 0.00001 and 0.00001; ExAC 0.00002.
gnomAD v4.1: 4 of 1,614,194 alleles (0.00025%); highest among the groups gnomAD compares: Non-Finnish European, 0.00034%; no homozygotes.

Submissions (3):

Blueprint Genetics
Classification: Uncertain significance. Last evaluated: 2024-09-14. Review status: criteria provided, single submitter. Criteria: ACMG Guidelines, 2015. Collection method: clinical testing. Allele origin: germline.

Labcorp Genetics (formerly Invitae), Labcorp
Classification: Uncertain significance for Progressive sclerosing poliodystrophy. Last evaluated: 2023-11-13. Review status: criteria provided, single submitter. Criteria: Invitae Variant Classification Sherloc (09022015). Collection method: clinical testing. Allele origin: germline.
Comment: This sequence change replaces proline, which is neutral and non-polar, with alanine, which is neutral and non-polar, at codon 514 of the POLG protein (p.Pro514Ala). This variant is present in population databases (rs756376617, gnomAD 0.002%). This variant has not been reported in the literature in individuals affected with POLG-related conditions. ClinVar contains an entry for this variant (Variation ID: 423935). Advanced modeling of protein sequence and biophysical properties (such as structural, functional, and spatial information, amino acid conservation, physicochemical variation, residue mobility, and thermodynamic stability) performed at Invitae indicates that this missense variant is not expected to disrupt POLG protein function with a negative predictive value of 95%. In summary, the available evidence is currently insufficient to determine the role of this variant in disease. Therefore, it has been classified as a Variant of Uncertain Significance.

GeneDx
Classification: Uncertain significance. Last evaluated: 2017-02-28. Review status: criteria provided, single submitter. Criteria: GeneDx Variant Classification (06012015). Collection method: clinical testing. Allele origin: germline. Affected: yes.
Comment: A variant of uncertain significance has been identified in the POLG gene. The P514A variant has not been published as a pathogenic variant, nor has it been reported as a benign variant to our knowledge. The P514A variant is not observed at a significant frequency in large population cohorts (Lek et al., 2016; 1000 Genomes Consortium et al., 2015; Exome Variant Server). The P514A variant is a semi-conservative amino acid substitution, which may impact secondary protein structure as these residues differ in some properties. This substitution occurs at a position that is conserved in mammals. Additionally, missense variants in nearby residues (S511N and K512M) have been reported in Human Gene Mutation Database in association with POLG-related disorders (Stenson et al., 2014), supporting the functional importance of this region of the protein. However, in silico analysis predicts this variant likely does not alter the protein structure/function. Therefore, based on the currently available information, it is unclear whether this variant is a pathogenic variant or a rare benign variant.

NM_002693.3(POLG):c.1540C>G (p.Pro514Ala)

Gene: POLG (DNA polymerase gamma, catalytic subunit; minus strand). Cytogenetic location: 15q26.1.
Variant type: single nucleotide variant.
Coding change: c.1540C>G on transcript NM_002693.3 (MANE Select); coding-DNA position 1540, C replaced by G.
Protein change: p.Pro514Ala; replaces proline 514 with alanine.
Molecular consequence: missense variant.
Genome position (GRCh38, 1-based): chr15:89,326,957, G>C on the plus strand (C>G on the coding strand, the complement: POLG is on the minus strand). VCF-style: chr15-89326957-G-C. GRCh37 (hg19) VCF-style: chr15-89870188-G-C.
Other names: c.1540C>G, p.Pro514Ala (NM_001126131.2); short protein forms P514A.
Identifiers: ClinVar variation 423935 (VCV000423935.8), dbSNP rs756376617, ClinGen allele CA7724814.